The following is an entry in ClinVar:

NM_030665.4(RAI1):c.4372C>T (p.Leu1458Phe)

Gene: RAI1 (retinoic acid induced 1; plus strand). Cytogenetic location: 17p11.2.
Variant type: single nucleotide variant.
Coding change: c.4372C>T on transcript NM_030665.4 (MANE Select); coding-DNA position 4372, C replaced by T.
Protein change: p.Leu1458Phe; replaces leucine 1458 with phenylalanine.
Molecular consequence: missense variant.
Genome position (GRCh38, 1-based): chr17:17,797,320, C>T. VCF-style: chr17-17797320-C-T. GRCh37 (hg19) VCF-style: chr17-17700634-C-T.
Other names: short protein forms L1458F.
Identifiers: ClinVar variation 2882900 (VCV002882900.3), dbSNP rs1218167996, ClinGen allele CA398556472.

ClinVar aggregate classification (germline): Uncertain significance (1 of 4 stars; one submission).

Allele frequency attached by ClinVar (database versions not stated): TOPMed below 0.00001; gnomAD exomes 0.00006.
gnomAD v4.1: 78 of 1,612,502 alleles (0.0048%); highest among the groups gnomAD compares: Non-Finnish European, 0.0066%; no homozygotes.

Submission:

Labcorp Genetics (formerly Invitae), Labcorp
Classification: Uncertain significance. Last evaluated: 2023-02-01. Review status: criteria provided, single submitter. Criteria: Invitae Variant Classification Sherloc (09022015). Collection method: clinical testing. Allele origin: germline.
Comment: In summary, the available evidence is currently insufficient to determine the role of this variant in disease. Therefore, it has been classified as a Variant of Uncertain Significance. This sequence change replaces leucine, which is neutral and non-polar, with phenylalanine, which is neutral and non-polar, at codon 1458 of the RAI1 protein (p.Leu1458Phe). This variant is present in population databases (no rsID available, gnomAD 0.003%). This variant has not been reported in the literature in individuals affected with RAI1-related conditions. Advanced modeling of protein sequence and biophysical properties (such as structural, functional, and spatial information, amino acid conservation, physicochemical variation, residue mobility, and thermodynamic stability) performed at Invitae indicates that this missense variant is not expected to disrupt RAI1 protein function.